The following is an entry in ClinVar:

NM_032119.4(ADGRV1):c.14933del (p.Leu4977_Ser4978insTer)

Gene: ADGRV1 (adhesion G protein-coupled receptor V1; plus strand). Cytogenetic location: 5q14.3.
Variant type: Deletion.
Coding change: c.14933del on transcript NM_032119.4 (MANE Select); coding-DNA position 14933, one base deleted (C; older notation c.14933delC).
Protein change: p.Leu4977_Ser4978insTer.
Molecular consequence: nonsense. On other transcripts: non-coding transcript variant (1).
Genome position (GRCh38, 1-based): chr5:90,807,698, C deleted. VCF-style (leftmost placement, unchanged base first): chr5-90807697-TC-T. GRCh37 (hg19) VCF-style: chr5-90103514-TC-T.
Identifiers: ClinVar variation 842716 (VCV000842716.7), dbSNP rs1762035826, ClinGen allele CA916082743.

ClinVar aggregate classification (germline): Pathogenic (1 of 4 stars; one submission).

Submission:

Labcorp Genetics (formerly Invitae), Labcorp
Classification: Pathogenic. Last evaluated: 2024-11-27. Review status: criteria provided, single submitter. Criteria: Invitae Variant Classification Sherloc (09022015). Collection method: clinical testing. Allele origin: germline.
Comment: This sequence change creates a premature translational stop signal (p.Ser4978*) in the ADGRV1 gene. It is expected to result in an absent or disrupted protein product. Loss-of-function variants in ADGRV1 are known to be pathogenic (PMID: 19357117, 22135276, 22147658, 26226137, 30718709, 31047384, 32467589). This variant is not present in population databases (gnomAD no frequency). This variant has not been reported in the literature in individuals affected with ADGRV1-related conditions. ClinVar contains an entry for this variant (Variation ID: 842716). For these reasons, this variant has been classified as Pathogenic.

Literature cited by the submitters: PubMed 19357117; PubMed 22135276; PubMed 22147658; PubMed 26226137; PubMed 30718709; PubMed 31047384; PubMed 32467589.